The following is an entry in ClinVar:

ClinVar aggregate classification (germline): Likely benign. Review status: criteria provided, multiple submitters, no conflicts (2 of 4 stars). 2 submissions from 2 submitters: Likely benign (2). Last evaluated 2024-10-29.

Conditions:
Charcot-Marie-Tooth disease type 2. Also called: Charcot-Marie-Tooth type 2. Identifiers: Orphanet 64746, MedGen C0270914, MONDO:0018993.
Charcot-Marie-Tooth disease axonal type 2N (CMT2N). Also called: CHARCOT-MARIE-TOOTH DISEASE, AXONAL, AUTOSOMAL DOMINANT, TYPE 2N; CHARCOT-MARIE-TOOTH NEUROPATHY, AXONAL, TYPE 2N; Charcot-Marie-Tooth Neuropathy Type 2N. Identifiers: Orphanet 228174, MedGen C2750090, MONDO:0013212, OMIM 613287.

Allele frequency attached by ClinVar (database versions not stated): TOPMed 0.00001; gnomAD 0.00002; ExAC 0.00009; gnomAD exomes 0.00006 and 0.00010; 1000 Genomes Project 30x 0.00031; 1000 Genomes Project 0.00040.
gnomAD v4.1: 89 of 1,614,192 alleles (0.0055%); highest among the groups gnomAD compares: East Asian, 0.2%; 1 homozygote.

Submissions (2):

Labcorp Genetics (formerly Invitae), Labcorp
Classification: Likely benign for Charcot-Marie-Tooth disease type 2. Last evaluated: 2024-10-29. Review status: criteria provided, single submitter. Criteria: Invitae Variant Classification Sherloc (09022015). Collection method: clinical testing. Allele origin: germline.

Illumina Laboratory Services, Illumina
Classification: Likely benign for Charcot-Marie-Tooth disease axonal type 2N. Last evaluated: 2018-01-13. Review status: criteria provided, single submitter. Criteria: ICSL Variant Classification Criteria 13 December 2019. Collection method: clinical testing. Allele origin: germline.
Comment: This variant was observed in the ICSL laboratory as part of a predisposition screen in an ostensibly healthy population. It had not been previously curated by ICSL or reported in the Human Gene Mutation Database (HGMD: prior to June 1st, 2018), and was therefore a candidate for classification through an automated scoring system. Utilizing variant allele frequency, disease prevalence and penetrance estimates, and inheritance mode, an automated score was calculated to assess if this variant is too frequent to cause the disease. Based on the score and internal cut-off values, a variant classified as likely benign is not then subjected to further curation. The score for this variant resulted in a classification of likely benign for this disease.

NM_001605.3(AARS1):c.2730C>T (p.Ala910=)

Gene: AARS1 (alanyl-tRNA synthetase 1; minus strand). Cytogenetic location: 16q22.1.
Variant type: single nucleotide variant.
Coding change: c.2730C>T on transcript NM_001605.3 (MANE Select); coding-DNA position 2730, C replaced by T.
Protein change: p.Ala910=; no amino-acid change (alanine 910 retained).
Molecular consequence: synonymous variant.
Genome position (GRCh38, 1-based): chr16:70,252,898, G>A on the plus strand (C>T on the coding strand, the complement: AARS1 is on the minus strand). VCF-style: chr16-70252898-G-A. GRCh37 (hg19) VCF-style: chr16-70286801-G-A.
Identifiers: ClinVar variation 704502 (VCV000704502.13), dbSNP rs199839663, ClinGen allele CA8140279.